The following is an entry in ClinVar:

NM_018179.5(ATF7IP):c.1371C>T (p.Leu457=)

Gene: ATF7IP (activating transcription factor 7 interacting protein; plus strand). Cytogenetic location: 12p13.1.
Variant type: single nucleotide variant.
Coding change: c.1371C>T on transcript NM_018179.5 (MANE Select); coding-DNA position 1371, C replaced by T.
Protein change: p.Leu457=; no amino-acid change (leucine 457 retained).
Molecular consequence: synonymous variant. On other transcripts: non-coding transcript variant (1).
Genome position (GRCh38, 1-based): chr12:14,425,286, C>T. VCF-style: chr12-14425286-C-T. GRCh37 (hg19) VCF-style: chr12-14578220-C-T.
Other names: c.1371C>T, p.Leu457= (NM_001286514.2, NM_001286515.2, NM_001388180.1 and 4 more transcripts); c.1395C>T, p.Leu465= (NM_001388179.1, NM_181352.2).
Identifiers: ClinVar variation 2642754 (VCV002642754.24), dbSNP rs61754405, ClinGen allele CA6461718.

ClinVar aggregate classification (germline): Likely benign (1 of 4 stars; one submission).

Allele frequency attached by ClinVar (database versions not stated): 1000 Genomes Project 30x 0.00047; 1000 Genomes Project 0.00060; TOPMed 0.00228; gnomAD 0.00253; ESP Exome Variant Server 0.00346.

Submission:

CeGaT Center for Human Genetics Tuebingen
Classification: Likely benign. Last evaluated: 2022-12-01. Review status: criteria provided, single submitter. Criteria: CeGaT Center For Human Genetics Tuebingen Variant Classification Criteria Version 2. Collection method: clinical testing. Allele origin: germline. Affected: yes. Observed: 1 variant allele.
Comment: ATF7IP: BP4, BP7, BS2